The following is an entry in ClinVar:

ClinVar aggregate classification (germline): Uncertain significance (1 of 4 stars; one submission).

Conditions:
Hereditary cancer-predisposing syndrome. Also called: Neoplastic Syndromes, Hereditary; Tumor predisposition; Hereditary Cancer Syndrome; Hereditary neoplastic syndrome. Identifiers: Orphanet 140162, MedGen C0027672, MeSH D009386, MONDO:0015356.

Submission:

Ambry Genetics
Classification: Uncertain significance for Hereditary cancer-predisposing syndrome. Last evaluated: 2020-04-29. Review status: criteria provided, single submitter. Criteria: Ambry Variant Classification Scheme 2023. Collection method: clinical testing. Allele origin: germline.
Comment: The p.V1386D variant (also known as c.4157T>A), located in coding exon 23 of the PTCH1 gene, results from a T to A substitution at nucleotide position 4157. The valine at codon 1386 is replaced by aspartic acid, an amino acid with highly dissimilar properties. This amino acid position is poorly conserved in available vertebrate species. In addition, this alteration is predicted to be tolerated by in silico analysis. Since supporting evidence is limited at this time, the clinical significance of this alteration remains unclear.

NM_000264.5(PTCH1):c.4157T>A (p.Val1386Asp)

Gene: PTCH1 (patched 1; minus strand). Cytogenetic location: 9q22.32.
Variant type: single nucleotide variant.
Coding change: c.4157T>A on transcript NM_000264.5 (MANE Select); coding-DNA position 4157, T replaced by A.
Protein change: p.Val1386Asp; replaces valine 1386 with aspartic acid.
Molecular consequence: missense variant. On other transcripts: non-coding transcript variant (1).
Genome position (GRCh38, 1-based): chr9:95,447,099, A>T on the plus strand (T>A on the coding strand, the complement: PTCH1 is on the minus strand). VCF-style: chr9-95447099-A-T. GRCh37 (hg19) VCF-style: chr9-98209381-A-T.
Other names: c.3959T>A, p.Val1320Asp (NM_001083602.3); c.4154T>A, p.Val1385Asp (NM_001083603.3); c.3704T>A, p.Val1235Asp (NM_001083604.3, NM_001083605.3, NM_001083606.3 and 1 more transcripts); c.4001T>A, p.Val1334Asp (NM_001354918.2); short protein forms V1385D, V1334D, V1320D, V1386D, V1235D.
Identifiers: ClinVar variation 1738305 (VCV001738305.2), dbSNP rs2136574706, ClinGen allele CA374110212.